The following is an entry in ClinVar:

ClinVar aggregate classification (germline): Likely pathogenic (1 of 4 stars; one submission).

Conditions:
Hereditary cancer-predisposing syndrome. Also called: Hereditary Cancer Syndrome; Hereditary neoplastic syndrome; Tumor predisposition; Neoplastic Syndromes, Hereditary. Identifiers: Orphanet 140162, MedGen C0027672, MeSH D009386, MONDO:0015356.

Submission:

Ambry Genetics
Classification: Likely pathogenic for Hereditary cancer-predisposing syndrome. Last evaluated: 2024-11-13. Review status: criteria provided, single submitter. Criteria: Ambry Variant Classification Scheme 2023. Collection method: clinical testing. Allele origin: germline.
Comment: The c.242-2A>G intronic variant results from an A to G substitution two nucleotides upstream from coding exon 5 in the SDHC gene. This variant is considered to be rare based on population cohorts in the Genome Aggregation Database (gnomAD). This nucleotide position is highly conserved in available vertebrate species. In silico splice site analysis predicts that this alteration will weaken the native splice acceptor site. RNA studies have demonstrated that this alteration results in abnormal splicing in the set of samples tested (Ambry internal data). Based on the majority of available evidence to date, this variant is likely to be pathogenic.

NM_003001.5(SDHC):c.242-2A>G

Gene: SDHC (succinate dehydrogenase complex subunit C; plus strand). Cytogenetic location: 1q23.3.
Variant type: single nucleotide variant.
Coding change: c.242-2A>G on transcript NM_003001.5 (MANE Select); the canonical splice acceptor site of the intron before coding-DNA position 242, A replaced by G.
Molecular consequence: splice acceptor variant. On other transcripts: intron variant (3).
Genome position (GRCh38, 1-based): chr1:161,356,675, A>G. VCF-style: chr1-161356675-A-G. GRCh37 (hg19) VCF-style: chr1-161326465-A-G.
Other names: c.131-2A>G (NM_001407119.1, NM_001407120.1); c.362-2A>G (NM_001407115.1); c.242-5654A>G (NM_001035511.3); c.140-2A>G (NM_001035512.3); c.140-5654A>G (NM_001278172.3); c.134-2A>G (NM_001407118.1); c.185-2A>G (NM_001407116.1); c.185-5654A>G (NM_001407121.1); and 2 more.
Identifiers: ClinVar variation 1791039 (VCV001791039.3), dbSNP rs2102370188, ClinGen allele CA343456200.